The following is an entry in ClinVar:

NM_024306.5(FA2H):c.1101_1102del (p.His368fs)

Gene: FA2H (fatty acid 2-hydroxylase; minus strand). Cytogenetic location: 16q23.1.
Variant type: Deletion.
Coding change: c.1101_1102del on transcript NM_024306.5 (MANE Select); coding-DNA positions 1101 to 1102, 2 bases deleted (CC; older notation c.1101_1102delCC).
Protein change: p.His368fs; shifts the reading frame from histidine 368.
Molecular consequence: frameshift variant.
Genome position (GRCh38, 1-based): chr16:74,714,207-74,714,208, GG deleted on the plus strand (CC on the coding strand, the reverse complement: FA2H is on the minus strand); deleting any 2 consecutive bases within chr16:74,714,207-74,714,210 gives the same sequence; the c. name uses the placement nearest the transcript's 3' end. VCF-style (leftmost placement, unchanged base first): chr16-74714206-TGG-T. GRCh37 (hg19) VCF-style: chr16-74748104-TGG-T.
Other names: short protein forms H368fs.
Identifiers: ClinVar variation 935175 (VCV000935175.7), dbSNP rs1961640625, ClinGen allele CA1139664820.
Genomic context (GRCh38, chr16:74,714,206, plus strand): 5'-GGGCCAGGGCCGGGCTGAGGGCAGGACGGAGGGGGTGGGAGTTGTCACTGCGTCTTCAGG[TGG>T]GGTTTCTCTGGAGTGAGGGTGTGGAAACAGTAATCCCACAATTTAGTGCTGATACCAAAT-3'

ClinVar aggregate classification (germline): Uncertain significance (1 of 4 stars; one submission).

Conditions:
Spastic paraplegia. Identifiers: MedGen C0037772, HP:0001258.

Submission:

Labcorp Genetics (formerly Invitae), Labcorp
Classification: Uncertain significance for Spastic paraplegia. Last evaluated: 2019-08-01. Review status: criteria provided, single submitter. Criteria: Invitae Variant Classification Sherloc (09022015). Collection method: clinical testing. Allele origin: germline.
Comment: This variant has not been reported in the literature in individuals with FA2H-related conditions. In summary, the available evidence is currently insufficient to determine the role of this variant in disease. Therefore, it has been classified as a Variant of Uncertain Significance. Experimental studies and prediction algorithms are not available or were not evaluated for this variant, and the functional significance of the affected amino acid(s) is currently unknown. This variant is not present in population databases (ExAC no frequency). This sequence change results in a premature translational stop signal in the FA2H gene (p.His368Profs*32). While this is not anticipated to result in nonsense mediated decay, it is expected to disrupt the last 5 amino acids of the FA2H protein.